The following is an entry in ClinVar:

ClinVar aggregate classification (germline): Uncertain significance (1 of 4 stars; one submission).

Submission:

GeneDx
Classification: Uncertain significance. Last evaluated: 2024-09-18. Review status: criteria provided, single submitter. Criteria: GeneDx Variant Classification Process June 2021. Collection method: clinical testing. Allele origin: germline. Affected: yes.
Comment: Not observed at significant frequency in large population cohorts (gnomAD); In silico analysis supports that this missense variant has a deleterious effect on protein structure/function; Has not been previously published as pathogenic or benign to our knowledge

NM_001348716.2(KDM6B):c.3440G>T (p.Arg1147Met)

Gene: KDM6B (lysine demethylase 6B; plus strand). Cytogenetic location: 17p13.1.
Variant type: single nucleotide variant.
Coding change: c.3440G>T on transcript NM_001348716.2 (MANE Select); coding-DNA position 3440, G replaced by T.
Protein change: p.Arg1147Met; replaces arginine 1147 with methionine.
Molecular consequence: missense variant.
Genome position (GRCh38, 1-based): chr17:7,849,728, G>T. VCF-style: chr17-7849728-G-T. GRCh37 (hg19) VCF-style: chr17-7753046-G-T.
Other names: c.3440G>T, p.Arg1147Met (NM_001080424.2); short protein forms R1147M.
Identifiers: ClinVar variation 3774170 (VCV003774170.1).